The following is an entry in ClinVar:

NM_006035.4(CDC42BPB):c.467A>G (p.Tyr156Cys)

Gene: CDC42BPB (CDC42 binding protein kinase beta; minus strand). Cytogenetic location: 14q32.32.
Variant type: single nucleotide variant.
Coding change: c.467A>G on transcript NM_006035.4 (MANE Select); coding-DNA position 467, A replaced by G.
Protein change: p.Tyr156Cys; replaces tyrosine 156 with cysteine.
Molecular consequence: missense variant.
Genome position (GRCh38, 1-based): chr14:102,999,694, T>C on the plus strand (A>G on the coding strand, the complement: CDC42BPB is on the minus strand). VCF-style: chr14-102999694-T-C. GRCh37 (hg19) VCF-style: chr14-103466031-T-C.
Other names: c.467A>G, p.Tyr156Cys (NM_001411054.1); short protein forms Y156C.
Identifiers: ClinVar variation 1804279 (VCV001804279.1), dbSNP rs2542970870, ClinGen allele CA391071415.

ClinVar aggregate classification (germline): Uncertain significance (1 of 4 stars; one submission).

Submission:

GeneDx
Classification: Uncertain significance. Last evaluated: 2022-06-13. Review status: criteria provided, single submitter. Criteria: GeneDx Variant Classification Process June 2021. Collection method: clinical testing. Allele origin: germline. Affected: yes.
Comment: Not observed at significant frequency in large population cohorts (gnomAD); In silico analysis supports that this missense variant has a deleterious effect on protein structure/function; Has not been previously published as pathogenic or benign to our knowledge